The following is an entry in ClinVar:

ClinVar aggregate classification (germline): Uncertain significance (1 of 4 stars; one submission).

Submission:

Labcorp Genetics (formerly Invitae), Labcorp
Classification: Uncertain significance. Last evaluated: 2022-07-12. Review status: criteria provided, single submitter. Criteria: Invitae Variant Classification Sherloc (09022015). Collection method: clinical testing. Allele origin: germline.
Comment: In summary, the available evidence is currently insufficient to determine the role of this variant in disease. Therefore, it has been classified as a Variant of Uncertain Significance. Experimental studies and prediction algorithms are not available or were not evaluated, and the functional significance of this variant is currently unknown. ClinVar contains an entry for this variant (Variation ID: 1374676). This variant has not been reported in the literature in individuals affected with COL7A1-related conditions. Information on the frequency of this variant in the gnomAD database is not available, as this variant may be reported differently in the database. This sequence change replaces aspartic acid, which is acidic and polar, with tyrosine, which is neutral and polar, at codon 95 of the COL7A1 protein (p.Asp95Tyr).

NM_000094.4(COL7A1):c.282_283delinsCT (p.Asp95Tyr)

Gene: COL7A1 (collagen type VII alpha 1 chain; minus strand). Cytogenetic location: 3p21.31.
Variant type: Indel.
Coding change: c.282_283delinsCT on transcript NM_000094.4 (MANE Select); coding-DNA positions 282 to 283, GG replaced by CT.
Protein change: p.Asp95Tyr; replaces aspartic acid 95 with tyrosine.
Molecular consequence: missense variant.
Genome position (GRCh38, 1-based): chr3:48,593,680-48,593,681, CC replaced by AG on the plus strand (GG replaced by CT on the coding strand, the reverse complement: COL7A1 is on the minus strand). VCF-style: chr3-48593680-CC-AG. GRCh37 (hg19) VCF-style: chr3-48631113-CC-AG.
Other names: short protein forms D95Y.
Identifiers: ClinVar variation 1374676 (VCV001374676.8), dbSNP rs2107802249, ClinGen allele CA2573137053.